The following is an entry in ClinVar:

NM_000179.3(MSH6):c.1649_1651del (p.Ser550_Gly551delinsCys)

Gene: MSH6 (mutS homolog 6; plus strand). Cytogenetic location: 2p16.3.
Variant type: Deletion.
Coding change: c.1649_1651del on transcript NM_000179.3 (MANE Select); coding-DNA positions 1649 to 1651, 3 bases deleted (CTG; older notation c.1649_1651delCTG).
Protein change: p.Ser550_Gly551delinsCys.
Molecular consequence: inframe indel.
Genome position (GRCh38, 1-based): chr2:47,799,632-47,799,634, CTG deleted. VCF-style (leftmost placement, unchanged base first): chr2-47799631-TCTG-T. GRCh37 (hg19) VCF-style: chr2-48026770-TCTG-T.
Other names: c.1649_1651delCTG (NM_000179.2); c.1259_1261del, p.Ser420_Gly421delinsCys (NM_001281492.2); c.743_745del, p.Ser248_Gly249delinsCys (NM_001281493.2, NM_001281494.2).
Identifiers: ClinVar variation 579846 (VCV000579846.20), dbSNP rs1558662438, ClinGen allele CA532705469.

ClinVar aggregate classification (germline): Uncertain significance. Review status: criteria provided, multiple submitters, no conflicts (2 of 4 stars). 5 submissions from 5 submitters: Uncertain significance (5). Last evaluated 2025-10-11.

Conditions:
Hereditary cancer-predisposing syndrome. Also called: Neoplastic Syndromes, Hereditary; Hereditary Cancer Syndrome; Tumor predisposition; Hereditary neoplastic syndrome. Identifiers: Orphanet 140162, MedGen C0027672, MeSH D009386, MONDO:0015356.
Lynch syndrome. Identifiers: Orphanet 144, MedGen C4552100, MONDO:0005835. Disease mechanism: loss of function.
Hereditary nonpolyposis colorectal neoplasms. Identifiers: MedGen C0009405, MeSH D003123.
Endometrial carcinoma. Also called: Endometrial carcinoma, somatic. Identifiers: MedGen C0476089, MONDO:0002447, OMIM 608089, HP:0012114.

Allele frequency attached by ClinVar (database versions not stated): gnomAD exomes below 0.00001.

Submissions (5):

Labcorp Genetics (formerly Invitae), Labcorp
Classification: Uncertain significance for Hereditary nonpolyposis colorectal neoplasms. Last evaluated: 2025-10-11. Review status: criteria provided, single submitter. Criteria: Invitae Variant Classification Sherloc (09022015). Collection method: clinical testing. Allele origin: germline.
Comment: This variant, c.1649_1651del, is a complex sequence change that results in the deletion of 2 and insertion of 1 amino acid(s) in the MSH6 protein (p.Ser550_Gly551delinsCys). This variant is present in population databases (no rsID available, gnomAD no frequency). This variant has not been reported in the literature in individuals affected with MSH6-related conditions. ClinVar contains an entry for this variant (Variation ID: 579846). Experimental studies and prediction algorithms are not available or were not evaluated, and the functional significance of this variant is currently unknown. In summary, the available evidence is currently insufficient to determine the role of this variant in disease. Therefore, it has been classified as a Variant of Uncertain Significance.

Hema, HEMA – Genetic and Molecular Diagnostic Laboratory
Classification: Uncertain significance for Lynch syndrome. Last evaluated: 2025-09-04. Review status: criteria provided, single submitter. Criteria: HEMA Variant Classification Assertion Criteria. Collection method: clinical testing. Allele origin: germline.
Comment: The c.1649_1651del variant is a trinucleotide deletion that results in the deletion of serine 550 and glycine 551 and their replacement by a cysteine residue. PM2_Supporting: Present at very low population frequency in gnomAD v4.1.0.

Color Diagnostics, LLC DBA Color Health
Classification: Uncertain significance for Hereditary cancer-predisposing syndrome. Last evaluated: 2024-06-24. Review status: criteria provided, single submitter. Criteria: ACMG Guidelines, 2015. Collection method: clinical testing. Allele origin: germline.
Comment: This variant causes an in-frame deletion of 2 amino acids serine and glycine and an insertion of a cysteine in the MSH6 protein. To our knowledge, functional studies have not been reported for this variant. This variant has not been reported in individuals affected with MSH6-related disorders in the literature. This variant has been identified in 1/251104 chromosomes in the general population by the Genome Aggregation Database (gnomAD). The available evidence is insufficient to determine the role of this variant in disease conclusively. Therefore, this variant is classified as a Variant of Uncertain Significance.

Baylor Genetics
Classification: Uncertain significance for Endometrial carcinoma. Last evaluated: 2023-11-18. Review status: criteria provided, single submitter. Criteria: ACMG Guidelines, 2015. Collection method: clinical testing. Allele origin: unknown.

Ambry Genetics
Classification: Uncertain significance for Hereditary cancer-predisposing syndrome. Last evaluated: 2023-08-04. Review status: criteria provided, single submitter. Criteria: Ambry Variant Classification Scheme 2023. Collection method: clinical testing. Allele origin: germline.
Comment: The c.1649_1651delCTG variant (also known as p.S550_G551delinsC) is located in coding exon 4 of the MSH6 gene. This variant results from an in-frame CTG deletion at nucleotide positions 1649 to 1651. The serine at codon 550 and glycine at codon 551 are replaced by a cysteine. These amino acid positions are well conserved in available vertebrate species. In addition, this alteration is predicted to be inconclusive by in silico analysis (Choi Y et al. PLoS ONE. 2012; 7(10):e46688). Since supporting evidence is limited at this time, the clinical significance of this alteration remains unclear.